The following is an entry in ClinVar:

NM_001145715.3(KPNA7):c.640A>G (p.Thr214Ala)

Gene: KPNA7 (karyopherin subunit alpha 7; minus strand). Cytogenetic location: 7q22.1.
Variant type: single nucleotide variant.
Coding change: c.640A>G on transcript NM_001145715.3 (MANE Select); coding-DNA position 640, A replaced by G.
Protein change: p.Thr214Ala; replaces threonine 214 with alanine.
Molecular consequence: missense variant.
Genome position (GRCh38, 1-based): chr7:99,188,560, T>C on the plus strand (A>G on the coding strand, the complement: KPNA7 is on the minus strand). VCF-style: chr7-99188560-T-C. GRCh37 (hg19) VCF-style: chr7-98786183-T-C.
Other names: short protein forms T214A.
Identifiers: ClinVar variation 941098 (VCV000941098.7), dbSNP rs1205188763, ClinGen allele CA368420108.

ClinVar aggregate classification (germline): Uncertain significance (1 of 4 stars; one submission).

Allele frequency attached by ClinVar (database versions not stated): gnomAD 0.00001; TOPMed 0.00004.
gnomAD v4.1: 1 of 1,551,088 alleles (0.000064%); highest among the groups gnomAD compares: Admixed American, 0.002%; no homozygotes.

Submission:

Labcorp Genetics (formerly Invitae), Labcorp
Classification: Uncertain significance. Last evaluated: 2022-06-29. Review status: criteria provided, single submitter. Criteria: Invitae Variant Classification Sherloc (09022015). Collection method: clinical testing. Allele origin: germline.
Comment: This sequence change replaces threonine, which is neutral and polar, with alanine, which is neutral and non-polar, at codon 214 of the KPNA7 protein (p.Thr214Ala). This variant is not present in population databases (gnomAD no frequency). This variant has not been reported in the literature in individuals affected with KPNA7-related conditions. ClinVar contains an entry for this variant (Variation ID: 941098). Algorithms developed to predict the effect of missense changes on protein structure and function output the following: SIFT: "Tolerated"; PolyPhen-2: "Benign"; Align-GVGD: "Class C0". The alanine amino acid residue is found in multiple mammalian species, which suggests that this missense change does not adversely affect protein function. In summary, the available evidence is currently insufficient to determine the role of this variant in disease. Therefore, it has been classified as a Variant of Uncertain Significance.